The following is an entry in ClinVar:

ClinVar aggregate classification (germline): Pathogenic/Likely pathogenic. Review status: criteria provided, multiple submitters, no conflicts (2 of 4 stars). 9 submissions from 9 submitters: Pathogenic (1); Likely pathogenic (5). 3 of the submissions do not count toward it. Last evaluated 2025-11-24.

Conditions:
Acute aortic dissection. Identifiers: MedGen C0241868.
Congenital aneurysm of ascending aorta (AAT1). Also called: AORTIC ANEURYSM, FAMILIAL THORACIC 1; ANNULOAORTIC ECTASIA; Familial thoracic aortic aneurysm; Aortic aneurysm, thoracic. Identifiers: Orphanet 229, MedGen C0345050, MONDO:0024559, OMIM 607086.
Marfan Syndrome/Loeys-Dietz Syndrome/Familial Thoracic Aortic Aneurysms and Dissections. Identifiers: MedGen CN229799.
Familial thoracic aortic aneurysm and aortic dissection (TAAD). Also called: Thoracic aortic aneurysms and dissections. Identifiers: Orphanet 91387, MedGen C4707243, MONDO:0019625.
Marfan syndrome (MFS). Also called: FBN1-Related Marfan Syndrome; Marfan syndrome type 1; Marfan's syndrome; Marfan syndrome, classic; MARFAN SYNDROME, TYPE I. Identifiers: Orphanet 284963, Orphanet 558, MedGen C0024796, MONDO:0007947, OMIM 154700.

Submissions (9):

Ambry Genetics
Classification: Likely pathogenic for Familial thoracic aortic aneurysm and aortic dissection. Last evaluated: 2025-11-24. Review status: criteria provided, single submitter. Criteria: Ambry Variant Classification Scheme 2023. Collection method: clinical testing. Allele origin: germline.
Comment: The p.N1489K variant (also known as c.4467T>A), located in coding exon 36 of the FBN1 gene, results from a T to A substitution at nucleotide position 4467. The asparagine at codon 1489 is replaced by lysine, an amino acid with similar properties. This variant alters a conserved residue in the calcium-binding consensus sequence of a cbEGF domain and is expected to disrupt FBN1 function (Handford PA et al. Nature. 1991; 351(6322):164-7). This variant was reported in individual(s) with features consistent with Marfan syndrome (Brautbar A et al. Am. J. Med. Genet. A, 2010 Feb;152A:413-6; Baetens M et al. Hum Mutat, 2011 Sep;32:1053-62; Lerner-Ellis JP et al. Mol Genet Metab, 2014 Jun;112:171-6; Proost D et al. Hum Mutat, 2015 Aug;36:808-14; Ambry internal data). This variant is considered to be rare based on population cohorts in the Genome Aggregation Database (gnomAD). This amino acid position is well conserved in available vertebrate species. In addition, the in silico prediction for this alteration is inconclusive. Based on the majority of available evidence to date, this variant is likely to be pathogenic.

Labcorp Genetics (formerly Invitae), Labcorp
Classification: Pathogenic for Marfan syndrome; Familial thoracic aortic aneurysm and aortic dissection. Last evaluated: 2024-07-15. Review status: criteria provided, single submitter. Criteria: Invitae Variant Classification Sherloc (09022015). Collection method: clinical testing. Allele origin: germline.
Comment: This sequence change replaces asparagine, which is neutral and polar, with lysine, which is basic and polar, at codon 1489 of the FBN1 protein (p.Asn1489Lys). This variant is not present in population databases (gnomAD no frequency). This missense change has been observed in individuals with thoracic aortic aneurysm and dissection (PMID: 20082464, 21542060, 26621581; Invitae). It has also been observed to segregate with disease in related individuals. ClinVar contains an entry for this variant (Variation ID: 36076). Advanced modeling of protein sequence and biophysical properties (such as structural, functional, and spatial information, amino acid conservation, physicochemical variation, residue mobility, and thermodynamic stability) performed at Invitae indicates that this missense variant is expected to disrupt FBN1 protein function with a positive predictive value of 80%. For these reasons, this variant has been classified as Pathogenic.

GeneDx
Classification: Likely pathogenic. Last evaluated: 2023-09-19. Review status: criteria provided, single submitter. Criteria: GeneDx Variant Classification Process June 2021. Collection method: clinical testing. Allele origin: germline. Affected: yes.
Comment: Reported to segregate with aortic aneurysm and/or aortic dissection in three members from a single family without a clinical diagnosis of Marfan syndrome (Regalado et al., 2015); Not observed at significant frequency in large population cohorts (gnomAD); In silico analysis supports that this missense variant has a deleterious effect on protein structure/function; This variant is associated with the following publications: (PMID: 24793577, 30371227, 25907466, 20082464, 26621581, 21542060, 20591885, 35058154)

Women's Health and Genetics/Laboratory Corporation of America, LabCorp
Classification: Likely pathogenic for Marfan Syndrome/Loeys-Dietz Syndrome/Familial Thoracic Aortic Aneurysms and Dissections. Last evaluated: 2023-05-22. Review status: criteria provided, single submitter. Criteria: LabCorp Variant Classification Summary - May 2015. Collection method: clinical testing. Allele origin: germline.
Comment: Variant summary: FBN1 c.4467T>A (p.Asn1489Lys) results in a non-conservative amino acid change located in the EGF-like calcium-binding and EGF-like domains of the encoded protein sequence. Five of five in-silico tools predict a damaging effect of the variant on protein function. The variant was absent in 251118 control chromosomes. c.4467T>A has been reported in the literature in individuals affected with Marfan Syndrome (examples- Baetens_2011, Regalado_2016). These data indicate that the variant is likely to be associated with disease. To our knowledge, no experimental evidence demonstrating an impact on protein function has been reported. The following publications have been ascertained in the context of this evaluation (PMID: 21542060, 20082464, 24793577, 25907466, 26621581, 30371227, 35058154). Seven clinical diagnostic laboratories have submitted clinical-significance assessments for this variant to ClinVar after 2014 . Multiple laboratories reported the variant with conflicting assessments: Pathogenic (n=1), Likely Pathogenic (n=4) and VUS (n=2). Based on the evidence outlined above, the variant was classified as likely pathogenic.

ARUP Laboratories, Molecular Genetics and Genomics, ARUP Laboratories
Classification: Likely pathogenic. Last evaluated: 2023-02-14. Review status: criteria provided, single submitter. Criteria: ARUP Molecular Germline Variant Investigation Process 2024. Collection method: clinical testing. Allele origin: germline.
Comment: The FBN1 c.4467T>A; p.Asn1489Lys variant (rs193922205) is reported in individuals with features of Marfan syndrome (Baetens 2011, Brautbar 2010) and is reported to segregate with thoracic aortic aneurysms and dissections (TAAD) in three affected individuals of a family (Regalado 2016). This variant is reported in ClinVar (Variation ID: 36076). It is absent from the Genome Aggregation Database, indicating it is not a common polymorphism. Computational analyses are uncertain whether this variant is neutral or deleterious (REVEL: 0.693). The asparagine at codon 1489 is a well conserved residue of the EGF consensus sequence and is critical for calcium binding (Wu 1995). Based on available information, this variant is considered to be likely pathogenic. References: Baetens M et al. Applying massive parallel sequencing to molecular diagnosis of Marfan and Loeys-Dietz syndromes. Hum Mutat. 2011 Sep;32(9):1053-62. PMID: 21542060. Brautbar A et al. FBN1 mutations in patients with descending thoracic aortic dissections. Am J Med Genet A. 2010 Feb;152A(2):413-6. PMID: 20082464. Regalado ES et al. FBN1 variants in familial thoracic aortic aneurysms and dissections. Clin Genet. 2016 Jun;89(6):719-23. PMID: 26621581. Wu YS et al. Fibrillin domain folding and calcium binding: significance to Marfan syndrome. Chem Biol. 1995 Feb;2(2):91-7. PMID: 9383409.

Centre of Medical Genetics, University of Antwerp
Classification: Likely pathogenic for Marfan syndrome. Last evaluated: 2021-03-01. Review status: criteria provided, single submitter. Criteria: Submitter's publication. Collection method: research. Allele origin: unknown. Affected: yes.
Comment: PM2, PS1, PP4

University of Washington Center for Mendelian Genomics, University of Washington
Classification: Likely pathogenic for Familial thoracic aortic aneurysms; Acute aortic dissections. Last evaluated: 2016-01-20. Review status: no assertion criteria provided. Collection method: research. Allele origin: unknown. Affected: yes. Not counted in ClinVar's aggregate classification.

Laboratory for Molecular Medicine, Mass General Brigham Personalized Medicine
Classification: Uncertain significance. Last evaluated: 2019-02-11. Review status: flagged submission. Criteria: LMM Criteria. Collection method: clinical testing. Allele origin: germline. Inheritance: Autosomal dominant inheritance. Observed: 1 variant allele. Not counted in ClinVar's aggregate classification.
Comment: proposed classification - variant undergoing re-assessment, contact laboratory
ClinVar note: Reason: Outlier claim with insufficient supporting evidence

Center for Medical Genetics Ghent, University of Ghent
Classification: Uncertain significance for Marfan syndrome. Last evaluated: 2017-11-07. Review status: flagged submission. Collection method: clinical testing. Allele origin: germline. Affected: yes. Not counted in ClinVar's aggregate classification.
ClinVar note: Reason: Outlier claim with insufficient supporting evidence

Literature cited by the submitters: PubMed 20082464 (cited by 4 submitters); PubMed 21542060 (cited by 4 submitters); PubMed 24793577 (cited by Ambry Genetics and Women's Health and Genetics/Laboratory Corporation of America, LabCorp); PubMed 25907466 (cited by 3 submitters); PubMed 26621581 (cited by 5 submitters); PubMed 30371227 (cited by Women's Health and Genetics/Laboratory Corporation of America, LabCorp and Laboratory for Molecular Medicine, Mass General Brigham Personalized Medicine); PubMed 35058154 (cited by Women's Health and Genetics/Laboratory Corporation of America, LabCorp).

NM_000138.5(FBN1):c.4467T>A (p.Asn1489Lys)

Gene: FBN1 (fibrillin 1; minus strand). Cytogenetic location: 15q21.1.
Variant type: single nucleotide variant.
Coding change: c.4467T>A on transcript NM_000138.5 (MANE Select); coding-DNA position 4467, T replaced by A.
Protein change: p.Asn1489Lys; replaces asparagine 1489 with lysine.
Molecular consequence: missense variant.
Genome position (GRCh38, 1-based): chr15:48,468,527, A>T on the plus strand (T>A on the coding strand, the complement: FBN1 is on the minus strand). VCF-style: chr15-48468527-A-T. GRCh37 (hg19) VCF-style: chr15-48760724-A-T.
Other names: short protein forms N1489K.
Identifiers: ClinVar variation 36076 (VCV000036076.45), dbSNP rs193922205, ClinGen allele CA015124.